The following is an entry in ClinVar:

ClinVar aggregate classification (germline): Uncertain significance (1 of 4 stars; one submission).

Conditions:
Cardiovascular phenotype. Identifiers: MedGen CN230736.

Submission:

Ambry Genetics
Classification: Uncertain significance for Cardiovascular phenotype. Last evaluated: 2026-03-01. Review status: criteria provided, single submitter. Criteria: Ambry Variant Classification Scheme 2023. Collection method: clinical testing. Allele origin: germline.
Comment: The p.Y3272S variant (also known as c.9815A>C), located in coding exon 26 of the APOB gene, results from an A to C substitution at nucleotide position 9815. The tyrosine at codon 3272 is replaced by serine, an amino acid with dissimilar properties. This amino acid position is conserved. In addition, this alteration is predicted to be tolerated by in silico analysis. Based on the available evidence, the clinical significance of this variant remains unclear.

NM_000384.3(APOB):c.9815A>C (p.Tyr3272Ser)

Gene: APOB (apolipoprotein B; minus strand). Cytogenetic location: 2p24.1.
Variant type: single nucleotide variant.
Coding change: c.9815A>C on transcript NM_000384.3 (MANE Select); coding-DNA position 9815, A replaced by C.
Protein change: p.Tyr3272Ser; replaces tyrosine 3272 with serine.
Molecular consequence: missense variant.
Genome position (GRCh38, 1-based): chr2:21,007,053, T>G on the plus strand (A>C on the coding strand, the complement: APOB is on the minus strand). VCF-style: chr2-21007053-T-G. GRCh37 (hg19) VCF-style: chr2-21229925-T-G.
Other names: short protein forms Y3272S.
Identifiers: ClinVar variation 4826823 (VCV004826823.1).
Genomic context (GRCh38, chr2:21,007,053, plus strand): 5'-ACACGGACGTCAGAACCTAGGATGGAGAAACTAGGCATGCTGACTGCTTTTGGGAACACA[T>G]AGCCGAATGCCGACATCTCTATGGTGAATGGAGACACTTCAACATTGACAACTGGAACAG-3'
Protein context (NP_000375.3, residues 3262-3282): PFTIEMSAFG[Tyr3272Ser]VFPKAVSMPS